The following is an entry in ClinVar:

NM_000236.3(LIPC):c.1319G>A (p.Ser440Asn)

Gene: LIPC (lipase C, hepatic type; plus strand). Cytogenetic location: 15q21.3.
Variant type: single nucleotide variant.
Coding change: c.1319G>A on transcript NM_000236.3 (MANE Select); coding-DNA position 1319, G replaced by A.
Protein change: p.Ser440Asn; replaces serine 440 with asparagine.
Molecular consequence: missense variant.
Genome position (GRCh38, 1-based): chr15:58,563,654, G>A. VCF-style: chr15-58563654-G-A. GRCh37 (hg19) VCF-style: chr15-58855853-G-A.
Other names: c.1319G>A (NM_000236.2); short protein forms S440N.
Identifiers: ClinVar variation 1385573 (VCV001385573.9), dbSNP rs6079, ClinGen allele CA7585194.

ClinVar aggregate classification (germline): Uncertain significance. Review status: criteria provided, multiple submitters, no conflicts (2 of 4 stars). 2 submissions from 2 submitters: Uncertain significance (2). Last evaluated 2024-07-26.

Allele frequency attached by ClinVar (database versions not stated): gnomAD exomes below 0.00001 and 0.00001; gnomAD 0.00001 and 0.00002; ExAC 0.00002; TOPMed 0.00003; ESP Exome Variant Server 0.00008.
gnomAD v4.1: 8 of 1,614,026 alleles (0.0005%); highest among the groups gnomAD compares: African/African-American, 0.011%; no homozygotes.

Submissions (2):

Ambry Genetics
Classification: Uncertain significance. Last evaluated: 2024-07-26. Review status: criteria provided, single submitter. Criteria: Ambry Variant Classification Scheme 2023. Collection method: clinical testing. Allele origin: germline.

Labcorp Genetics (formerly Invitae), Labcorp
Classification: Uncertain significance. Last evaluated: 2021-06-30. Review status: criteria provided, single submitter. Criteria: Invitae Variant Classification Sherloc (09022015). Collection method: clinical testing. Allele origin: germline.
Comment: In summary, the available evidence is currently insufficient to determine the role of this variant in disease. Therefore, it has been classified as a Variant of Uncertain Significance. Algorithms developed to predict the effect of missense changes on protein structure and function (SIFT, PolyPhen-2, Align-GVGD) all suggest that this variant is likely to be tolerated. This variant has not been reported in the literature in individuals affected with LIPC-related conditions. This variant is present in population databases (rs6079, ExAC 0.02%). This sequence change replaces serine with asparagine at codon 440 of the LIPC protein (p.Ser440Asn). The serine residue is weakly conserved and there is a small physicochemical difference between serine and asparagine.